The following is an entry in ClinVar:

ClinVar aggregate classification (germline): Likely benign. Review status: criteria provided, multiple submitters, no conflicts (2 of 4 stars). 2 submissions from 2 submitters: Likely benign (2). Last evaluated 2025-08-01.

gnomAD v4.1: 22 of 1,611,966 alleles (0.0014%); highest among the groups gnomAD compares: Non-Finnish European, 0.0019%; no homozygotes.

Submissions (2):

CeGaT Center for Human Genetics Tuebingen
Classification: Likely benign. Last evaluated: 2025-08-01. Review status: criteria provided, single submitter. Criteria: CeGaT Center For Human Genetics Tuebingen Variant Classification Criteria Version 2. Collection method: clinical testing. Allele origin: germline. Affected: yes. Observed: 1 variant allele.
Comment: YWHAG: BP4, BP7

Labcorp Genetics (formerly Invitae), Labcorp
Classification: Likely benign. Last evaluated: 2023-03-16. Review status: criteria provided, single submitter. Criteria: Invitae Variant Classification Sherloc (09022015). Collection method: clinical testing. Allele origin: germline.

NM_012479.4(YWHAG):c.120G>A (p.Glu40=)

Gene: YWHAG (tyrosine 3-monooxygenase/tryptophan 5-monooxygenase activation protein gamma; minus strand). Cytogenetic location: 7q11.23.
Variant type: single nucleotide variant.
Coding change: c.120G>A on transcript NM_012479.4 (MANE Select); coding-DNA position 120, G replaced by A.
Protein change: p.Glu40=; no amino-acid change (glutamic acid 40 retained).
Molecular consequence: synonymous variant.
Genome position (GRCh38, 1-based): chr7:76,330,201, C>T on the plus strand (G>A on the coding strand, the complement: YWHAG is on the minus strand). VCF-style: chr7-76330201-C-T. GRCh37 (hg19) VCF-style: chr7-75959518-C-T.
Identifiers: ClinVar variation 2083360 (VCV002083360.12), dbSNP rs1048792928, ClinGen allele CA160927704.